The following is an entry in ClinVar:

ClinVar aggregate classification (germline): Benign (1 of 4 stars; one submission).

Allele frequency attached by ClinVar (database versions not stated): gnomAD 0.14761 and 0.14969; TOPMed 0.15492; 1000 Genomes Project 30x 0.19519; 1000 Genomes Project 0.19589.
gnomAD v4.1: 65,234 of 489,702 alleles (13%); highest among the groups gnomAD compares: East Asian, 23%; 5,078 homozygotes.

Submission:

GeneDx
Classification: Benign. Last evaluated: 2018-06-18. Review status: criteria provided, single submitter. Criteria: GeneDx Variant Classification (06012015). Collection method: clinical testing. Allele origin: germline. Affected: yes.
Comment: This variant is considered likely benign or benign based on one or more of the following criteria: it is a conservative change, it occurs at a poorly conserved position in the protein, it is predicted to be benign by multiple in silico algorithms, and/or has population frequency not consistent with disease.

NM_001376.5(DYNC1H1):c.4075-276G>A

Gene: DYNC1H1 (dynein cytoplasmic 1 heavy chain 1; plus strand). Cytogenetic location: 14q32.31.
Variant type: single nucleotide variant.
Coding change: c.4075-276G>A on transcript NM_001376.5 (MANE Select); 276 bases into the intron before coding-DNA position 4075, G replaced by A.
Molecular consequence: intron variant.
Genome position (GRCh38, 1-based): chr14:102,000,678, G>A. VCF-style: chr14-102000678-G-A. GRCh37 (hg19) VCF-style: chr14-102467015-G-A.
Identifiers: ClinVar variation 668897 (VCV000668897.1), dbSNP rs7158912, ClinGen allele CA15817824.